The following is an entry in ClinVar:

NM_000372.5(TYR):c.649C>G (p.Arg217Gly)

Gene: TYR (tyrosinase; plus strand). Cytogenetic location: 11q14.3.
Variant type: single nucleotide variant.
Coding change: c.649C>G on transcript NM_000372.5 (MANE Select); coding-DNA position 649, C replaced by G.
Protein change: p.Arg217Gly; replaces arginine 217 with glycine.
Molecular consequence: missense variant.
Genome position (GRCh38, 1-based): chr11:89,178,602, C>G. VCF-style: chr11-89178602-C-G. GRCh37 (hg19) VCF-style: chr11-88911770-C-G.
Other names: short protein forms R217G.
Identifiers: ClinVar variation 99573 (VCV000099573.5), dbSNP rs63159160, ClinGen allele CA227577.

ClinVar aggregate classification (germline): Pathogenic. Review status: criteria provided, single submitter (1 of 4 stars). 2 submissions from 2 submitters: Pathogenic (1). 1 of the submissions does not count toward it. Last evaluated 2022-07-15.

Allele frequency attached by ClinVar (database versions not stated): TOPMed 0.00002.
gnomAD v4.1: 22 of 1,612,466 alleles (0.0014%); highest among the groups gnomAD compares: Non-Finnish European, 0.0017%; no homozygotes.

Submissions (2):

Labcorp Genetics (formerly Invitae), Labcorp
Classification: Pathogenic. Last evaluated: 2022-07-15. Review status: criteria provided, single submitter. Criteria: Invitae Variant Classification Sherloc (09022015). Collection method: clinical testing. Allele origin: germline.
Comment: This sequence change replaces arginine, which is basic and polar, with glycine, which is neutral and non-polar, at codon 217 of the TYR protein (p.Arg217Gly). This variant is present in population databases (rs63159160, gnomAD 0.0009%). This variant disrupts the p.Arg217 amino acid residue in TYR. Other variant(s) that disrupt this residue have been determined to be pathogenic (PMID: 1642278, 10987646, 27734839). This suggests that this residue is clinically significant, and that variants that disrupt this residue are likely to be disease-causing. This missense change has been observed in individual(s) with clinical features of oculocutaneous albinism (PMID: 18463683; Invitae). In at least one individual the data is consistent with being in trans (on the opposite chromosome) from a pathogenic variant. ClinVar contains an entry for this variant (Variation ID: 99573). Advanced modeling of protein sequence and biophysical properties (such as structural, functional, and spatial information, amino acid conservation, physicochemical variation, residue mobility, and thermodynamic stability) performed at Invitae indicates that this missense variant is expected to disrupt TYR protein function. For these reasons, this variant has been classified as Pathogenic.

Retina International
No classification provided. Review status: no classification provided. Collection method: not provided. Allele origin: not provided. Not counted in ClinVar's aggregate classification.

Literature cited by the submitters: PubMed 1642278 (cited by Labcorp Genetics (formerly Invitae), Labcorp); PubMed 10987646 (cited by Labcorp Genetics (formerly Invitae), Labcorp); PubMed 27734839 (cited by Labcorp Genetics (formerly Invitae), Labcorp); PubMed 18463683 (cited by Labcorp Genetics (formerly Invitae), Labcorp).